The following is an entry in ClinVar:

NM_001142800.2(EYS):c.9062_9064del (p.Ala3021del)

Genes: EYS (EGF-like photoreceptor maintenance factor; minus strand), PHF3 (PHD finger protein 3; plus strand). Cytogenetic location: 6q12.
Variant type: Deletion.
Coding change: c.9062_9064del on transcript NM_001142800.2 (MANE Select); coding-DNA positions 9062 to 9064, 3 bases deleted (CAG; older notation c.9062_9064delCAG).
Protein change: p.Ala3021del; deletes alanine 3021.
Molecular consequence: 3 prime UTR variant (on NM_001370348.2).
Genome position (GRCh38, 1-based): chr6:63,720,967-63,720,969, CTG deleted on the plus strand (CAG on the coding strand, the reverse complement: EYS is on the minus strand); deleting any 3 consecutive bases within chr6:63,720,967-63,720,971 gives the same sequence; the c. name uses the placement nearest the transcript's 3' end. VCF-style (leftmost placement, unchanged base first): chr6-63720966-ACTG-A. GRCh37 (hg19) VCF-style: chr6-64430862-ACTG-A.
Other names: c.*7261_*7263del (NM_001290259.2, NM_001370348.2, NM_001370349.2 and 2 more transcripts); c.9125_9127del, p.Ala3042del (NM_001292009.2); short protein forms A3042del, A3021del.
Identifiers: ClinVar variation 3650855 (VCV003650855.2).

ClinVar aggregate classification (germline): Pathogenic (1 of 4 stars; one submission).

Submission:

Labcorp Genetics (formerly Invitae), Labcorp
Classification: Pathogenic. Last evaluated: 2025-01-15. Review status: criteria provided, single submitter. Criteria: Invitae Variant Classification Sherloc (09022015). Collection method: clinical testing. Allele origin: germline.
Comment: This variant, c.9062_9064del, results in the deletion of 1 amino acid(s) of the EYS protein (p.Ala3021del), but otherwise preserves the integrity of the reading frame. This variant is not present in population databases (gnomAD no frequency). This variant has not been reported in the literature in individuals affected with EYS-related conditions. This variant disrupts a region of the EYS protein in which other variant(s) (p.Ala3021Pro) have been determined to be pathogenic (PMID: 29074561, 29159838, 32037395; internal data). This suggests that this is a clinically significant region of the protein, and that variants that disrupt it are likely to be disease-causing. For these reasons, this variant has been classified as Pathogenic.

Literature cited by the submitters: PubMed 29074561; PubMed 29159838; PubMed 32037395.